The following is an entry in ClinVar:

ClinVar aggregate classification (germline): Benign/Likely benign. Review status: criteria provided, multiple submitters, no conflicts (2 of 4 stars). 5 submissions from 5 submitters: Benign (2); Likely benign (3). Last evaluated 2026-08-01.

Allele frequency attached by ClinVar (database versions not stated): gnomAD exomes 0.00035 and 0.00105; ExAC 0.00132; 1000 Genomes Project 30x 0.00312; 1000 Genomes Project 0.00339; gnomAD 0.00402 and 0.00441; TOPMed 0.00463; ESP Exome Variant Server 0.00484.
gnomAD v4.1: 1,139 of 1,613,298 alleles (0.071%); highest among the groups gnomAD compares: African/African-American, 1.4%; 8 homozygotes.

Submissions (5):

CeGaT Center for Human Genetics Tuebingen
Classification: Likely benign. Last evaluated: 2026-08-01. Review status: criteria provided, single submitter. Criteria: CeGaT Center For Human Genetics Tuebingen Variant Classification Criteria Version 2. Collection method: clinical testing. Allele origin: germline. Affected: yes. Observed: 1 variant allele.
Comment: OCA2: BS1

Women's Health and Genetics/Laboratory Corporation of America, LabCorp
Classification: Likely benign. Last evaluated: 2026-03-23. Review status: criteria provided, single submitter. Criteria: LabCorp Variant Classification Summary - May 2015. Collection method: clinical testing. Allele origin: germline.
Comment: Variant summary: OCA2 c.2500G>A (p.Val834Met) results in a conservative amino acid change in the encoded protein sequence. Algorithms developed to predict the effect of missense changes on protein structure and function are either unavailable or do not agree on the potential impact of this missense change. The variant allele was found at a frequency of 0.001 in 251150 control chromosomes, predominantly at a frequency of 0.015 within the African or African-American subpopulation in the gnomAD database, including 2 homozygotes. The observed variant frequency within African or African-American control individuals in the gnomAD database exceeds the estimated maximal expected allele frequency for disease-causing variants in OCA2. To our knowledge, no occurrence of c.2500G>A in individuals affected with OCA2-related conditions and no experimental evidence demonstrating its impact on protein function have been reported. ClinVar contains an entry for this variant (Variation ID: 787422). Based on the evidence outlined above, the variant was classified as likely benign.

Labcorp Genetics (formerly Invitae), Labcorp
Classification: Benign. Last evaluated: 2026-02-04. Review status: criteria provided, single submitter. Criteria: Invitae Variant Classification Sherloc (09022015). Collection method: clinical testing. Allele origin: germline.

Blueprint Genetics
Classification: Likely benign. Last evaluated: 2024-09-02. Review status: criteria provided, single submitter. Criteria: ACMG Guidelines, 2015. Collection method: clinical testing. Allele origin: germline.

Breakthrough Genomics
Classification: Benign. Review status: criteria provided, single submitter. Criteria: ACMG Guidelines, 2015. Collection method: not provided. Allele origin: germline. Inheritance: Autosomal recessive inheritance. Affected: yes.

Literature cited by the submitters: PubMed 23824587 (cited by Women's Health and Genetics/Laboratory Corporation of America, LabCorp).

NM_000275.3(OCA2):c.2500G>A (p.Val834Met)

Gene: OCA2 (OCA2 melanosomal transmembrane protein; minus strand). Cytogenetic location: 15q12.
Variant type: single nucleotide variant.
Coding change: c.2500G>A on transcript NM_000275.3 (MANE Select); coding-DNA position 2500, G replaced by A.
Protein change: p.Val834Met; replaces valine 834 with methionine.
Molecular consequence: missense variant.
Genome position (GRCh38, 1-based): chr15:27,755,405, C>T on the plus strand (G>A on the coding strand, the complement: OCA2 is on the minus strand). VCF-style: chr15-27755405-C-T. GRCh37 (hg19) VCF-style: chr15-28000551-C-T.
Other names: c.2428G>A, p.Val810Met (NM_001300984.2); short protein forms V810M, V834M.
Identifiers: ClinVar variation 787422 (VCV000787422.15), dbSNP rs34704703, ClinGen allele CA7438551.
Genomic context (GRCh38, chr15:27,755,405, plus strand): 5'-GGATGAAGTTTCCTTTAGTCTTCGAGCAATAGATGGATGTCTATTAATTCCATCCCACCA[C>T]CACATGAGCCACAAGGAGATAACACATCCCAACAGTGCAGGACACAACCATCATTGGGAA-3'
Protein context (NP_000266.2, residues 824-838): GMCYLLVAHV[Val834Met]VGWN